The following is an entry in ClinVar:

NM_002055.5(GFAP):c.230A>G (p.Asn77Ser)

Gene: GFAP (glial fibrillary acidic protein; minus strand). Cytogenetic location: 17q21.31.
Variant type: single nucleotide variant.
Coding change: c.230A>G on transcript NM_002055.5 (MANE Select); coding-DNA position 230, A replaced by G.
Protein change: p.Asn77Ser; replaces asparagine 77 with serine.
Molecular consequence: missense variant.
Genome position (GRCh38, 1-based): chr17:44,915,257, T>C on the plus strand (A>G on the coding strand, the complement: GFAP is on the minus strand). VCF-style: chr17-44915257-T-C. GRCh37 (hg19) VCF-style: chr17-42992625-T-C.
Other names: c.230A>G, p.Asn77Ser (NM_001131019.3, NM_001242376.3, NM_001363846.2); short protein forms N77S.
Identifiers: ClinVar variation 66468 (VCV000066468.11), dbSNP rs57590980, ClinGen allele CA217162.

ClinVar aggregate classification (germline): Pathogenic. Review status: criteria provided, single submitter (1 of 4 stars). 4 submissions from 4 submitters: Pathogenic (1). 3 of the submissions do not count toward it. Last evaluated 2024-04-03.

Conditions:
Alexander disease (ALXDRD). Also called: Alexander's disease. Identifiers: Orphanet 58, MedGen C0270726, MONDO:0008752, OMIM 203450.

Submissions (4):

Labcorp Genetics (formerly Invitae), Labcorp
Classification: Pathogenic. Last evaluated: 2024-04-03. Review status: criteria provided, single submitter. Criteria: Invitae Variant Classification Sherloc (09022015). Collection method: clinical testing. Allele origin: germline.
Comment: This sequence change replaces asparagine, which is neutral and polar, with serine, which is neutral and polar, at codon 77 of the GFAP protein (p.Asn77Ser). This variant is not present in population databases (gnomAD no frequency). This missense change has been observed in individual(s) with Alexander disease (PMID: 15732097, 17894839, 26478912). In at least one individual the variant was observed to be de novo. ClinVar contains an entry for this variant (Variation ID: 66468). Advanced modeling of protein sequence and biophysical properties (such as structural, functional, and spatial information, amino acid conservation, physicochemical variation, residue mobility, and thermodynamic stability) has been performed at Invitae for this missense variant, however the output from this modeling did not meet the statistical confidence thresholds required to predict the impact of this variant on GFAP protein function. This variant disrupts the p.Asn77 amino acid residue in GFAP. Other variant(s) that disrupt this residue have been determined to be pathogenic (PMID: 23364391). This suggests that this residue is clinically significant, and that variants that disrupt this residue are likely to be disease-causing. For these reasons, this variant has been classified as Pathogenic.

Biochemical Molecular Genetic Laboratory, King Abdulaziz Medical City
Classification: Pathogenic for Alexander disease. Last evaluated: 2020-02-05. Review status: no assertion criteria provided. Collection method: clinical testing. Allele origin: germline. Affected: yes. Not counted in ClinVar's aggregate classification.

Epithelial Biology;  Institute of Medical Biology, Singapore
No classification provided. Review status: no classification provided. Collection method: not provided. Allele origin: not provided. Not counted in ClinVar's aggregate classification.

GeneReviews
No classification provided. Condition: Alexander disease. Review status: no classification provided. Collection method: literature only. Allele origin: germline. Not counted in ClinVar's aggregate classification.

Literature cited by the submitters: PubMed 15732097 (cited by Labcorp Genetics (formerly Invitae), Labcorp and GeneReviews); PubMed 17894839 (cited by Labcorp Genetics (formerly Invitae), Labcorp and GeneReviews); PubMed 26478912 (cited by Labcorp Genetics (formerly Invitae), Labcorp); PubMed 23364391 (cited by Labcorp Genetics (formerly Invitae), Labcorp); NCBI Bookshelf NBK1172 (cited by GeneReviews).